The following is an entry in ClinVar:

ClinVar aggregate classification (germline): Uncertain significance. Review status: criteria provided, multiple submitters, no conflicts (2 of 4 stars). 3 submissions from 3 submitters: Uncertain significance (3). Last evaluated 2025-08-08.

Conditions:
Inborn genetic diseases. Identifiers: MedGen C0950123, MeSH D030342.
Congenital myopathy with internal nuclei and atypical cores. Also called: Myopathy, centronuclear, 4. Identifiers: Orphanet 319160, MedGen C4707232, MONDO:0013890, OMIM 614807.

Allele frequency attached by ClinVar (database versions not stated): gnomAD exomes 0.00001 and 0.00002; TOPMed 0.00001; ExAC 0.00002; gnomAD 0.00002.

Submissions (3):

Ambry Genetics
Classification: Uncertain significance for Inborn genetic diseases. Last evaluated: 2025-08-08. Review status: criteria provided, single submitter. Criteria: Ambry Variant Classification Scheme 2023. Collection method: clinical testing. Allele origin: germline.

Revvity Omics, Revvity
Classification: Uncertain significance for Congenital myopathy with internal nuclei and atypical cores. Last evaluated: 2025-05-27. Review status: criteria provided, single submitter. Criteria: ACMG Guidelines, 2015. Collection method: clinical testing. Allele origin: germline.

Labcorp Genetics (formerly Invitae), Labcorp
Classification: Uncertain significance for Congenital myopathy with internal nuclei and atypical cores. Last evaluated: 2023-11-06. Review status: criteria provided, single submitter. Criteria: Invitae Variant Classification Sherloc (09022015). Collection method: clinical testing. Allele origin: germline.
Comment: This sequence change replaces arginine, which is basic and polar, with tryptophan, which is neutral and slightly polar, at codon 192 of the CCDC78 protein (p.Arg192Trp). This variant is present in population databases (rs754019798, gnomAD 0.003%). This variant has not been reported in the literature in individuals affected with CCDC78-related conditions. ClinVar contains an entry for this variant (Variation ID: 936353). Advanced modeling of protein sequence and biophysical properties (such as structural, functional, and spatial information, amino acid conservation, physicochemical variation, residue mobility, and thermodynamic stability) performed at Invitae indicates that this missense variant is not expected to disrupt CCDC78 protein function with a negative predictive value of 80%. In summary, the available evidence is currently insufficient to determine the role of this variant in disease. Therefore, it has been classified as a Variant of Uncertain Significance.

NM_001378030.1(CCDC78):c.574C>T (p.Arg192Trp)

Gene: CCDC78 (coiled-coil domain containing 78; minus strand). Cytogenetic location: 16p13.3.
Variant type: single nucleotide variant.
Coding change: c.574C>T on transcript NM_001378030.1 (MANE Select); coding-DNA position 574, C replaced by T.
Protein change: p.Arg192Trp; replaces arginine 192 with tryptophan.
Molecular consequence: missense variant. On other transcripts: non-coding transcript variant (5), intron variant (1).
Genome position (GRCh38, 1-based): chr16:724,976, G>A on the plus strand (C>T on the coding strand, the complement: CCDC78 is on the minus strand). VCF-style: chr16-724976-G-A. GRCh37 (hg19) VCF-style: chr16-774976-G-A.
Other names: c.574C>T, p.Arg192Trp (NM_001031737.3, NM_001378031.1); c.198+102C>T (NM_001378033.1); short protein forms R192W.
Identifiers: ClinVar variation 936353 (VCV000936353.12), dbSNP rs754019798, ClinGen allele CA7789507.
Genomic context (GRCh38, chr16:724,976, plus strand): 5'-CCTGTGTGGCCAGTCGCTGCCCGGCTGCCCTGGCCTCCTCTCGGGCTCCCTGCAGCTGCC[G>A]GCCCAGGGTTGCCCTGAAGACACGGGGGTGAGGCTCAGCAGGCCCACGATCAGGGGTTCT-3'
Protein context (NP_001364959.1, residues 182-202): ALVTRVATLG[Arg192Trp]QLQGAREEAR